The following is an entry in ClinVar:

ClinVar aggregate classification (germline): Pathogenic/Likely pathogenic. Review status: criteria provided, multiple submitters, no conflicts (2 of 4 stars). 30 submissions from 28 submitters: Pathogenic (18); Likely pathogenic (4). 8 of the submissions do not count toward it. Last evaluated 2026-04-28.

Conditions:
Monogenic hearing loss.
Usher syndrome. Also called: Usher's syndrome; Usher Syndromes. Identifiers: Orphanet 886, MedGen CN469326, MeSH D052245, MONDO:0019501. Disease mechanism: loss of function.
Usher syndrome type 2. Also called: Usher Syndrome Type II. Identifiers: Orphanet 231178, MedGen C0339534, MONDO:0016484.
Rare genetic deafness. Identifiers: Orphanet 96210, MedGen C5680250.
USH2A-related disorder. Also called: USH2A-related disorders; USH2A-related condition. Identifiers: MedGen CN239332.
Retinal dystrophy. Also called: Inherited retinal dystrophy. Identifiers: Orphanet 71862, MedGen C0854723, MeSH D058499, MONDO:0019118, HP:0000556.
Usher syndrome type 2A. Also called: USHER SYNDROME, TYPE IIA; RETINAL DISEASE IN USHER SYNDROME TYPE IIA, MODIFIER OF. Identifiers: Orphanet 231178, Orphanet 886, MedGen C1848634, MONDO:0010169, OMIM 276901.
Retinitis pigmentosa 39 (RP39). Identifiers: Orphanet 791, MedGen C3151138, MONDO:0013436, OMIM 613809.
Retinitis pigmentosa (RP). Identifiers: Orphanet 791, MedGen C0035334, MeSH D012174, MONDO:0019200, OMIM 268000. Inheritance: Autosomal dominant, autosomal recessive and X linked inheritance.

Allele frequency attached by ClinVar (database versions not stated): gnomAD 0.00004 and 0.00006; TOPMed 0.00007.
gnomAD v4.1: 9 of 152,338 alleles (0.0059%); highest among the groups gnomAD compares: East Asian, 0.019%; no homozygotes.

Submissions 1 to 13 of 30:

PreventionGenetics, part of Exact Sciences
Classification: Pathogenic for USH2A-related condition. Last evaluated: 2026-04-28. Review status: criteria provided, single submitter. Criteria: ACMG Guidelines, 2015. Collection method: clinical testing. Allele origin: germline.
Comment: The USH2A c.7595-2144A>G variant is predicted to interfere with splicing. This variant is predicted to alter splicing based on available splicing prediction programs (SpliceAI, Jaganathan et al. 2019. PubMed ID: 30661751). This variant has previously been reported to be a common deep intronic variant causative for Usher syndrome type 2 (Aparisi et al. 2014. PubMed ID: 25404053; Liquori et al. 2016. PubMed ID: 26629787; Vaché et al. 2012. PubMed ID: 22009552; supplementary data, Lin et al. 2024. PubMed ID: 38219857). RNA analysis of nasal cells from one affected individual confirmed that this variant creates a pseudoexon (Vaché et al. 2012. PubMed ID: 22009552). This variant is reported in 0.013% of alleles in individuals of European (Non-Finnish) descent in gnomAD. This variant is interpreted as pathogenic.

Genetics Laboratory, Great Ormond Street Hospital NHS Foundation Trust, North Thames Genomic Laboratory Hub
Classification: Pathogenic for Monogenic hearing loss. Last evaluated: 2026-03-26. Review status: criteria provided, single submitter. Criteria: ACGS Best Practice Guidelines for Variant Classification in Rare Disease 2024 v1.2. Collection method: clinical testing. Allele origin: germline. Affected: yes.
Comment: PM2_moderate, PVS1_strong, PM3_strong

Labcorp Genetics (formerly Invitae), Labcorp
Classification: Pathogenic. Last evaluated: 2026-01-19. Review status: criteria provided, single submitter. Criteria: Invitae Variant Classification Sherloc (09022015). Collection method: clinical testing. Allele origin: germline.
Comment: This sequence change falls in intron 40 of the USH2A gene. It does not directly change the encoded amino acid sequence of the USH2A protein. RNA analysis indicates that this variant induces altered splicing and may result in an absent or altered protein product. This variant is present in population databases (rs786200928, gnomAD 0.007%). This variant has been observed in individual(s) with Usher syndrome (PMID: 22009552, 23924366). In at least one individual the data is consistent with being in trans (on the opposite chromosome) from a pathogenic variant. It has also been observed to segregate with disease in related individuals. ClinVar contains an entry for this variant (Variation ID: 30722). Studies have shown that this variant results in an insertion of 152bp at the junction of exons 40 and 41, and produces a non-functional protein and/or introduces a premature termination codon (PMID: 22009552). For these reasons, this variant has been classified as Pathogenic.

Genetics Research Center, University of Social Welfare and Rehabilitation Sciences
Classification: Pathogenic for Usher syndrome type 2A. Last evaluated: 2025-12-09. Review status: criteria provided, single submitter. Criteria: ACMG Guidelines, 2015. Collection method: research. Allele origin: germline. Affected: yes.
Comment: This heterozygous variant is present at a very low frequency in the gnomAD v2.1.1 dataset (allele frequency: 0.006%). This variant has been previously identified to be a common deep intronic variant causative for Usher syndrome type 2 (PMID: 25404053, 26629787, 38219857). Functional studies demonstrated an insertion of 152 bp at the junction of exons 40 and 41, leading to an out-of-frame protein with premature stop codon in exon 41 (PMID: 22009552, 23924366).

Natera, Inc.
Classification: Pathogenic for Usher syndrome type 2A. Last evaluated: 2025-09-29. Review status: criteria provided, single submitter. Criteria: Natera Variant Classification Schema (03/2026). Collection method: clinical testing. Allele origin: germline.
Comment: The c.7595-2144A>G variant in USH2A is an intronic variant located outside the canonical splice sites. This variant is rare in the general population with a frequency below the threshold expected for the associated phenotype(s). This variant has been observed in one or more individuals affected with the associated recessive disease, as either homozygous or compound heterozygous with a second variant (PMID: 28944237). Functional studies show that this variant may disrupt protein function (PMID: 22009552). Given the available evidence, this variant is classified as Pathogenic.

Blueprint Genetics
Classification: Pathogenic for USH2A-related disorders. Last evaluated: 2024-11-22. Review status: criteria provided, single submitter. Criteria: ACMG Guidelines, 2015. Collection method: clinical testing. Allele origin: germline. Affected: yes. Observed: 5 variant alleles.

3billion
Classification: Pathogenic for Usher syndrome type 2A. Last evaluated: 2024-08-09. Review status: criteria provided, single submitter. Criteria: ACMG Guidelines, 2015. Collection method: clinical testing. Allele origin: germline. Affected: yes.
Comment: The variant is observed at an extremely low frequency in the gnomAD v4.0.0 dataset (total allele frequency: 0.006%). Predicted Consequence/Location: Intron variant: previously reported to alter splicing (PMID: 22009552). In silico tools predict the variant to alter splicing and produce an abnormal transcript [SpliceAI: 0.69 (spliceogenicity >=0.2, non-spliceogenicity <0.1)]. Intron variant: previously reported to alter splicing (PMID: 22009552). Therefore, this variant is classified as Pathogenic according to the recommendation of ACMG/AMP guideline.

Fulgent Genetics
Classification: Pathogenic for Usher syndrome type 2A; Retinitis pigmentosa 39. Last evaluated: 2024-03-21. Review status: criteria provided, single submitter. Criteria: ACMG Guidelines, 2015. Collection method: clinical testing. Allele origin: germline.

Baylor Genetics
Classification: Pathogenic for Retinitis pigmentosa 39. Last evaluated: 2024-03-19. Review status: criteria provided, single submitter. Criteria: ACMG Guidelines, 2015. Collection method: clinical testing. Allele origin: unknown.

Genome-Nilou Lab
Classification: Likely pathogenic for Retinitis pigmentosa 39. Last evaluated: 2023-04-11. Review status: criteria provided, single submitter. Criteria: ACMG Guidelines, 2015. Collection method: clinical testing. Allele origin: germline. Affected: no.

Genome-Nilou Lab
Classification: Likely pathogenic for Usher syndrome type 2A. Last evaluated: 2023-04-11. Review status: criteria provided, single submitter. Criteria: ACMG Guidelines, 2015. Collection method: clinical testing. Allele origin: germline. Affected: no.

Variantyx, Inc.
Classification: Pathogenic for USH2A-related disorders. Last evaluated: 2022-11-07. Review status: criteria provided, single submitter. Criteria: Variantyx Assertion Criteria 2022. Collection method: clinical testing. Allele origin: germline. Inheritance: Autosomal recessive inheritance. Affected: yes.
Comment: This is a non-canonical splice variant in the USH2A gene (OMIM 608400). Pathogenic variants in this gene have been associated with autosomal recessive USH2A-related disorders. This variant causes a splicing defect that results in retention of a 152-bp intronic segment at the junction of exons 40 and 41 (PMID: 22009552). This event introduces a premature stop codon and results in loss of function, which is a known disease mechanism for USH2A (PMID: 20507924) (PVS1). This variant has been observed in the homozygous or compound heterozygous state in several affected individuals, including evidence of segregation with disease in at least two families (PMID: 22009552, 23924366) (PP1_Moderate). This variant has a 0.01928% maximum allele frequency in non-founder control populations, which is lower than expected for the prevalence of USH2A-related disease (PM2_Supporting). Based on current evidence, this variant is classified as pathogenic for autosomal recessive USH2A-related disorders.

GeneDx
Classification: Pathogenic. Last evaluated: 2022-03-07. Review status: criteria provided, single submitter. Criteria: GeneDx Variant Classification Process June 2021. Collection method: clinical testing. Allele origin: germline. Affected: yes.
Comment: Observed with a second USH2A variant in multiple individuals with Usher syndrome in the published literature, however, the phase of these variants is unknown (Sodi et al., 2018; Khalaileh et al., 2018; Steele-Stallard et al., 2013); Non-canonical splice site variant demonstrated to result in loss-of-function; functional studies demonstrated an insertion of 152 bp at the junction of exons 40 and 41, leading to an out-of-frame protein with premature stop codon in exon 41 (designated p.K2532TfsX56) (Vache et al., 2012; Steele-Stallard et al., 2013); This variant is associated with the following publications: (PMID: 25404053, 33576794, 31980526, 31456290, 32581362, 31231422, 30718709, 26629787, 23924366, 30281416, 27802265, 25649381, 25823529, 28041643, 22009552, 25352746, 29490346, 25558175, 27460420, 32037395)

NM_206933.4(USH2A):c.7595-2144A>G

Gene: USH2A (usherin; minus strand). Cytogenetic location: 1q41.
Variant type: single nucleotide variant.
Coding change: c.7595-2144A>G on transcript NM_206933.4 (MANE Select); 2144 bases into the intron before coding-DNA position 7595, A replaced by G.
Molecular consequence: intron variant.
Genome position (GRCh38, 1-based): chr1:215,891,198, T>C on the plus strand (A>G on the coding strand, the complement: USH2A is on the minus strand). VCF-style: chr1-215891198-T-C. GRCh37 (hg19) VCF-style: chr1-216064540-T-C.
Other names: IVS40AS, A-G, -2144.
Identifiers: ClinVar variation 30722 (VCV000030722.82), dbSNP rs786200928, ClinGen allele CA259896.
Genomic context (GRCh38, chr1:215,891,198, plus strand): 5'-AGATGAACTTGCACTTCAAACCCCCACAATACACAGCCTTTTCTTAAAGATGATCTCTTA[T>C]CTTGGGAAAGGAGAGGTGTTCAATTTCAATTTCATGATTTGTTTCCCCCTTAAAAGCCAG-3'